The following is an entry in ClinVar:

NM_000180.4(GUCY2D):c.1354G>T (p.Asp452Tyr)

Gene: GUCY2D (guanylate cyclase 2D, retinal; plus strand). Cytogenetic location: 17p13.1.
Variant type: single nucleotide variant.
Coding change: c.1354G>T on transcript NM_000180.4 (MANE Select); coding-DNA position 1354, G replaced by T.
Protein change: p.Asp452Tyr; replaces aspartic acid 452 with tyrosine.
Molecular consequence: missense variant.
Genome position (GRCh38, 1-based): chr17:8,006,690, G>T. VCF-style: chr17-8006690-G-T. GRCh37 (hg19) VCF-style: chr17-7910008-G-T.
Other names: short protein forms D452Y.
Identifiers: ClinVar variation 3392833 (VCV003392833.1).

ClinVar aggregate classification (germline): Uncertain significance (1 of 4 stars; one submission).

Submission:

GeneDx
Classification: Uncertain significance. Last evaluated: 2024-06-26. Review status: criteria provided, single submitter. Criteria: GeneDx Variant Classification Process June 2021. Collection method: clinical testing. Allele origin: germline. Affected: yes.
Comment: Not observed at significant frequency in large population cohorts (gnomAD); In silico analysis supports that this missense variant has a deleterious effect on protein structure/function; Has not been previously published as pathogenic or benign to our knowledge